The following is an entry in ClinVar:

ClinVar aggregate classification (germline): Uncertain significance (1 of 4 stars; one submission).

Conditions:
Amyloidosis, hereditary systemic 1 (AMYLD1). Also called: Familial amyloid polyneuropathy; Transthyretin Amyloidosis; Hereditary Transthyretin Amyloidosis; Hereditary oculoleptomeningeal amyloid angiopathy; Familial Transthyretin Amyloidosis; AMYLOID CARDIOMYOPATHY. Identifiers: Orphanet 85447, Orphanet 85451, MedGen C2751492, MONDO:0971004, OMIM 105210.

Allele frequency attached by ClinVar (database versions not stated): gnomAD exomes below 0.00001.
gnomAD v4.1: 1 of 1,614,164 alleles (0.000062%); highest among the groups gnomAD compares: Non-Finnish European, 0.000085%; no homozygotes.

Submission:

Labcorp Genetics (formerly Invitae), Labcorp
Classification: Uncertain significance for Amyloidosis, hereditary systemic 1. Last evaluated: 2023-02-22. Review status: criteria provided, single submitter. Criteria: Invitae Variant Classification Sherloc (09022015). Collection method: clinical testing. Allele origin: germline.
Comment: In summary, the available evidence is currently insufficient to determine the role of this variant in disease. Therefore, it has been classified as a Variant of Uncertain Significance. Advanced modeling of protein sequence and biophysical properties (such as structural, functional, and spatial information, amino acid conservation, physicochemical variation, residue mobility, and thermodynamic stability) performed at Invitae indicates that this missense variant is expected to disrupt TTR protein function. This variant has not been reported in the literature in individuals affected with TTR-related conditions. This variant is present in population databases (no rsID available, gnomAD 0.0009%). This sequence change replaces leucine, which is neutral and non-polar, with proline, which is neutral and non-polar, at codon 102 of the TTR protein (p.Leu102Pro).

NM_000371.4(TTR):c.305T>C (p.Leu102Pro)

Gene: TTR (transthyretin; plus strand). Cytogenetic location: 18q12.1.
Variant type: single nucleotide variant.
Coding change: c.305T>C on transcript NM_000371.4 (MANE Select); coding-DNA position 305, T replaced by C.
Protein change: p.Leu102Pro; replaces leucine 102 with proline.
Molecular consequence: missense variant.
Genome position (GRCh38, 1-based): chr18:31,595,224, T>C. VCF-style: chr18-31595224-T-C. GRCh37 (hg19) VCF-style: chr18-29175187-T-C.
Other names: short protein forms L102P.
Identifiers: ClinVar variation 2884079 (VCV002884079.3), dbSNP rs1356542149, ClinGen allele CA402157101.